The following is an entry in ClinVar:

NM_002291.3(LAMB1):c.4642C>T (p.Arg1548Cys)

Gene: LAMB1 (laminin subunit beta 1; minus strand). Cytogenetic location: 7q31.1.
Variant type: single nucleotide variant.
Coding change: c.4642C>T on transcript NM_002291.3 (MANE Select); coding-DNA position 4642, C replaced by T.
Protein change: p.Arg1548Cys; replaces arginine 1548 with cysteine.
Molecular consequence: missense variant.
Genome position (GRCh38, 1-based): chr7:107,929,515, G>A on the plus strand (C>T on the coding strand, the complement: LAMB1 is on the minus strand). VCF-style: chr7-107929515-G-A. GRCh37 (hg19) VCF-style: chr7-107569960-G-A.
Other names: short protein forms R1548C.
Identifiers: ClinVar variation 2187348 (VCV002187348.6), dbSNP rs143268795, ClinGen allele CA4434979.

ClinVar aggregate classification (germline): Likely benign. Review status: criteria provided, multiple submitters, no conflicts (2 of 4 stars). 2 submissions from 2 submitters: Likely benign (2). Last evaluated 2025-04-21.

Allele frequency attached by ClinVar (database versions not stated): ESP Exome Variant Server 0.00031; 1000 Genomes Project 0.00060; 1000 Genomes Project 30x 0.00062.
gnomAD v4.1: 171 of 1,613,910 alleles (0.011%); highest among the groups gnomAD compares: East Asian, 0.27%; 1 homozygote.

Submissions (2):

Labcorp Genetics (formerly Invitae), Labcorp
Classification: Likely benign. Last evaluated: 2025-04-21. Review status: criteria provided, single submitter. Criteria: Invitae Variant Classification Sherloc (09022015). Collection method: clinical testing. Allele origin: germline.

Women's Health and Genetics/Laboratory Corporation of America, LabCorp
Classification: Likely benign. Last evaluated: 2024-02-20. Review status: criteria provided, single submitter. Criteria: LabCorp Variant Classification Summary - May 2015. Collection method: clinical testing. Allele origin: germline.
Comment: Variant summary: LAMB1 c.4642C>T (p.Arg1548Cys) results in a non-conservative amino acid change in the encoded protein sequence. Five of five in-silico tools predict a damaging effect of the variant on protein function. The variant allele was found at a frequency of 0.00011 in 1606936 control chromosomes, predominantly at a frequency of 0.0027 within the East Asian subpopulation in the gnomAD database, including 1 homozygote. The relatively high subpopulation frequency together with the occurrence of a homozygote suggest that the variant might be benign. To our knowledge, no occurrence of c.4642C>T in individuals affected with Lissencephaly 5 and no experimental evidence demonstrating its impact on protein function have been reported. ClinVar contains an entry for this variant (Variation ID: 2187348). Based on the evidence outlined above, the variant was classified as likely benign.